The following is an entry in ClinVar:

NM_201384.3(PLEC):c.8231G>A (p.Arg2744Gln)

Gene: PLEC (plectin; minus strand). Cytogenetic location: 8q24.3.
Variant type: single nucleotide variant.
Coding change: c.8231G>A on transcript NM_201384.3 (MANE Select); coding-DNA position 8231, G replaced by A.
Protein change: p.Arg2744Gln; replaces arginine 2744 with glutamine.
Molecular consequence: missense variant.
Genome position (GRCh38, 1-based): chr8:143,921,590, C>T on the plus strand (G>A on the coding strand, the complement: PLEC is on the minus strand). VCF-style: chr8-143921590-C-T. GRCh37 (hg19) VCF-style: chr8-144995758-C-T.
Other names: c.8312G>A, p.Arg2771Gln (NM_000445.5); c.4931G>A, p.Arg1644Gln (NM_001410941.1); c.8189G>A, p.Arg2730Gln (NM_201378.4); c.8165G>A, p.Arg2722Gln (NM_201379.3); c.8642G>A, p.Arg2881Gln (NM_201380.4); c.8135G>A, p.Arg2712Gln (NM_201381.3); c.8231G>A, p.Arg2744Gln (NM_201382.4); c.8243G>A, p.Arg2748Gln (NM_201383.3); short protein forms R2712Q, R1644Q, R2730Q, R2881Q, R2722Q, R2744Q, R2748Q, R2771Q.
Identifiers: ClinVar variation 4783169 (VCV004783169.1).
Genomic context (GRCh38, chr8:143,921,590, plus strand): 5'-TGCAGCTCGGGGCCCACCACACCCTCCTTCACAGCCTCGTTGACGGTCAGCCGCCGGTTC[C>T]GCACAGGGTCCAGCAGGAAGCCTGAGGCCGCCTGCGCCTCCAGCAGGATGAGGGCCGTGC-3'
Protein context (NP_958786.1, residues 2734-2754): AASGFLLDPV[Arg2744Gln]NRRLTVNEAV

ClinVar aggregate classification (germline): Uncertain significance (1 of 4 stars; one submission).

Conditions:
Epidermolysis bullosa simplex with nail dystrophy (EBS5D). Identifiers: MedGen C4225309, MONDO:0014661, OMIM 616487.
Epidermolysis bullosa simplex, Ogna type (EBS5A). Also called: Pidermolysis bullosa simplex 5A, Ogna type; EPIDERMOLYSIS BULLOSA SIMPLEX 5A, OGNA TYPE. Identifiers: Orphanet 79401, MedGen C0432317, MONDO:0007555, OMIM 131950.
Epidermolysis bullosa simplex 5B, with muscular dystrophy (EBS5B). Also called: Epidermolysis bullosa simplex with muscular dystrophy; EPIDERMOLYSIS BULLOSA SIMPLEX AND LIMB-GIRDLE MUSCULAR DYSTROPHY. Identifiers: Orphanet 257, MedGen C2931072, MONDO:0009181, OMIM 226670.
Autosomal recessive limb-girdle muscular dystrophy type 2Q (LGMDR17). Also called: MUSCULAR DYSTROPHY, LIMB-GIRDLE, AUTOSOMAL RECESSIVE 17. Identifiers: Orphanet 254361, MedGen C3150989, MONDO:0013390, OMIM 613723.
Epidermolysis bullosa simplex 5C, with pyloric atresia (EBS5C). Also called: PLEC-Related Epidermolysis Bullosa with Pyloric Atresia; Epidermolysis bullosa simplex with pyloric atresia; PLEC1-Related Epidermolysis Bullosa with Pyloric Atresia. Identifiers: Orphanet 158684, MedGen C2677349, MONDO:0012807, OMIM 612138.

gnomAD v4.1: 14 of 1,612,412 alleles (0.00087%); highest among the groups gnomAD compares: South Asian, 0.0066%; no homozygotes.

Submission:

Labcorp Genetics (formerly Invitae), Labcorp
Classification: Uncertain significance for Autosomal recessive limb-girdle muscular dystrophy type 2Q; Epidermolysis bullosa simplex, Ogna type; Epidermolysis bullosa simplex with nail dystrophy; Epidermolysis bullosa simplex 5C, with pyloric atresia; Epidermolysis bullosa simplex 5B, with muscular dystrophy. Last evaluated: 2025-11-11. Review status: criteria provided, single submitter. Criteria: Invitae Variant Classification Sherloc (09022015). Collection method: clinical testing. Allele origin: germline.
Comment: This sequence change replaces arginine, which is basic and polar, with glutamine, which is neutral and polar, at codon 2771 of the PLEC protein (p.Arg2771Gln). This variant is present in population databases (rs782113438, gnomAD 0.009%). This variant has not been reported in the literature in individuals affected with PLEC-related conditions. Invitae Evidence Modeling of protein sequence and biophysical properties (such as structural, functional, and spatial information, amino acid conservation, physicochemical variation, residue mobility, and thermodynamic stability) indicates that this missense variant is not expected to disrupt PLEC protein function with a negative predictive value of 80%. In summary, the available evidence is currently insufficient to determine the role of this variant in disease. Therefore, it has been classified as a Variant of Uncertain Significance.